The following is an entry in ClinVar:

ClinVar aggregate classification (germline): Conflicting classifications of pathogenicity. Review status: criteria provided, conflicting classifications (1 of 4 stars). 7 submissions from 7 submitters: Uncertain significance (4); Likely benign (2). 1 of the submissions does not count toward it. Last evaluated 2026-02-10.

Conditions:
SCN10A-related disorder. Also called: SCN10A-related condition.
Cardiovascular phenotype. Identifiers: MedGen CN230736.
Episodic pain syndrome, familial, 2 (FEPS2). Identifiers: Orphanet 306577, MedGen C3809893, MONDO:0014246, OMIM 615551.
Brugada syndrome. Also called: Sudden Unexplained Death Syndrome; Sudden Unexplained Nocturnal Death Syndrome (SUNDS); Sudden unexplained nocturnal death syndrome; Sudden unexpected nocturnal death syndrome. Identifiers: Orphanet 130, MedGen C1142166, MONDO:0015263.

Allele frequency attached by ClinVar (database versions not stated): gnomAD exomes 0.00005 and 0.00009; gnomAD 0.00010; ExAC 0.00015; TOPMed 0.00015; 1000 Genomes Project 0.00020; ESP Exome Variant Server 0.00023; 1000 Genomes Project 30x 0.00031.
gnomAD v4.1: 96 of 1,610,974 alleles (0.006%); highest among the groups gnomAD compares: Admixed American, 0.027%; no homozygotes.

Submissions (7):

PreventionGenetics, part of Exact Sciences
Classification: Uncertain significance for SCN10A-related condition. Last evaluated: 2026-02-10. Review status: criteria provided, single submitter. Criteria: ACMG Guidelines, 2015. Collection method: clinical testing. Allele origin: germline.
Comment: The SCN10A c.1661T>C variant is predicted to result in the amino acid substitution p.Leu554Pro. This variant has been reported in two family members with painful peripheral neuropathy (Faber et al. 2012. PubMed ID: 23115331). Experimental studies indicate this variant impacts protein function (Faber et al. 2012. PubMed ID: 23115331). However, the c.1661T>C variant is reported in 0.020% of alleles in individuals of Latino descent in gnomAD, which may be too frequent to be a primary cause of disease. At this time, the clinical significance of this variant is uncertain due to the absence of conclusive functional and genetic evidence.

Labcorp Genetics (formerly Invitae), Labcorp
Classification: Uncertain significance for Brugada syndrome. Last evaluated: 2026-01-21. Review status: criteria provided, single submitter. Criteria: Invitae Variant Classification Sherloc (09022015). Collection method: clinical testing. Allele origin: germline.
Comment: This sequence change replaces leucine, which is neutral and non-polar, with proline, which is neutral and non-polar, at codon 554 of the SCN10A protein (p.Leu554Pro). This variant is present in population databases (rs138404783, gnomAD 0.02%). This missense change has been observed in individual(s) with neuropathy (PMID: 23115331). ClinVar contains an entry for this variant (Variation ID: 89014). Invitae Evidence Modeling of protein sequence and biophysical properties (such as structural, functional, and spatial information, amino acid conservation, physicochemical variation, residue mobility, and thermodynamic stability) indicates that this missense variant is not expected to disrupt SCN10A protein function with a negative predictive value of 95%. Experimental studies have shown that this missense change affects SCN10A function (PMID: 23115331). In summary, the available evidence is currently insufficient to determine the role of this variant in disease. Therefore, it has been classified as a Variant of Uncertain Significance.

Women's Health and Genetics/Laboratory Corporation of America, LabCorp
Classification: Uncertain significance. Last evaluated: 2022-03-28. Review status: criteria provided, single submitter. Criteria: LabCorp Variant Classification Summary - May 2015. Collection method: clinical testing. Allele origin: germline.
Comment: Variant summary: SCN10A c.1661T>C (p.Leu554Pro) results in a non-conservative amino acid change in the encoded protein sequence. Three of five in-silico tools predict a benign effect of the variant on protein function. The variant allele was found at a frequency of 9.3e-05 in 247808 control chromosomes. This frequency is not significantly higher than expected for a pathogenic variant in SCN10A causing SCN10A-Related Disorders, allowing no conclusion about variant significance. c.1661T>C has been reported in the literature in individuals affected with SCN10A-Related Disorders. This report does not provide unequivocal conclusions about association of the variant with SCN10A-Related Disorders. At least one publication reports experimental evidence evaluating an impact on protein function and showed L554 affected sodium channel function. Three clinical diagnostic laboratories have submitted clinical-significance assessments for this variant to ClinVar after 2014 without evidence for independent evaluation (VUS n=2, likely benign n=1). Based on the evidence outlined above, the variant was classified as uncertain significance.

Ambry Genetics
Classification: Likely benign for Cardiovascular phenotype. Last evaluated: 2021-06-24. Review status: criteria provided, single submitter. Criteria: Ambry Variant Classification Scheme 2023. Collection method: clinical testing. Allele origin: germline.

GeneDx
Classification: Likely benign. Last evaluated: 2020-01-29. Review status: criteria provided, single submitter. Criteria: GeneDx Variant Classification Process June 2021. Collection method: clinical testing. Allele origin: germline. Affected: yes.
Comment: This variant is associated with the following publications: (PMID: 23115331, 24006052, 24820863, 23986244, 25060923, 24763188)

CeGaT Center for Human Genetics Tuebingen
Classification: Uncertain significance. Last evaluated: 2016-07-01. Review status: criteria provided, single submitter. Criteria: CeGaT Center For Human Genetics Tuebingen Variant Classification Criteria Version 2. Collection method: clinical testing. Allele origin: germline. Affected: yes. Observed: 1 variant allele.

OMIM
Classification: Pathogenic for EPISODIC PAIN SYNDROME, FAMILIAL, 2. Last evaluated: 2012-11-20. Review status: no assertion criteria provided. Collection method: literature only. Allele origin: germline. Not counted in ClinVar's aggregate classification.

Literature cited by the submitters: PubMed 23115331 (cited by 4 submitters); PubMed 24820863 (cited by Women's Health and Genetics/Laboratory Corporation of America, LabCorp).

NM_006514.4(SCN10A):c.1661T>C (p.Leu554Pro)

Gene: SCN10A (sodium voltage-gated channel alpha subunit 10; minus strand). Cytogenetic location: 3p22.2.
Variant type: single nucleotide variant.
Coding change: c.1661T>C on transcript NM_006514.4 (MANE Select); coding-DNA position 1661, T replaced by C.
Protein change: p.Leu554Pro; replaces leucine 554 with proline.
Molecular consequence: missense variant. On other transcripts: intron variant (1).
Genome position (GRCh38, 1-based): chr3:38,752,313, A>G on the plus strand (T>C on the coding strand, the complement: SCN10A is on the minus strand). VCF-style: chr3-38752313-A-G. GRCh37 (hg19) VCF-style: chr3-38793804-A-G.
Other names: SCN10A, LEU554PRO (rs138404783); c.1661T>C, p.Leu554Pro (NM_001293306.2); c.1462-2129T>C (NM_001293307.2); short protein forms L554P.
Identifiers: ClinVar variation 89014 (VCV000089014.53), dbSNP rs138404783, ClinGen allele CA145437.